The following is an entry in ClinVar:

NM_001159773.2(CANT1):c.885_902dup (p.Arg301_Ala302insPhePheLeuProArgArg)

Gene: CANT1 (calcium activated nucleotidase 1; minus strand). Cytogenetic location: 17q25.3.
Variant type: Duplication.
Coding change: c.885_902dup on transcript NM_001159773.2 (MANE Select); coding-DNA positions 885 to 902, 18 bases duplicated (GTTCTTCCTGCCGCGCCG).
Protein change: p.Arg301_Ala302insPhePheLeuProArgArg.
Molecular consequence: inframe insertion.
Genome position (GRCh38, 1-based): chr17:78,993,854-78,993,871, CGGCGCGGCAGGAAGAAC duplicated on the plus strand (GTTCTTCCTGCCGCGCCG on the coding strand, the reverse complement: CANT1 is on the minus strand); duplicating any 18 consecutive bases within chr17:78,993,854-78,993,872 gives the same sequence; the c. name uses the placement nearest the transcript's 3' end. VCF-style (leftmost placement, unchanged base first): chr17-78993853-G-GCGGCGCGGCAGGAAGAAC. GRCh37 (hg19) VCF-style: chr17-76989935-G-GCGGCGCGGCAGGAAGAAC.
Other names: c.885_902dup, p.Arg301_Ala302insPhePheLeuProArgArg (NM_001159772.2, NM_138793.4).
Identifiers: ClinVar variation 1922824 (VCV001922824.3), dbSNP rs2509808475, ClinGen allele CA986625692.

ClinVar aggregate classification (germline): Uncertain significance (1 of 4 stars; one submission).

Submission:

Labcorp Genetics (formerly Invitae), Labcorp
Classification: Uncertain significance. Last evaluated: 2024-12-09. Review status: criteria provided, single submitter. Criteria: Invitae Variant Classification Sherloc (09022015). Collection method: clinical testing. Allele origin: germline.
Comment: This variant, c.885_902dup, results in the insertion of 6 amino acid(s) of the CANT1 protein (p.Phe296_Arg301dup), but otherwise preserves the integrity of the reading frame. This variant is not present in population databases (gnomAD no frequency). This variant has not been reported in the literature in individuals affected with CANT1-related conditions. ClinVar contains an entry for this variant (Variation ID: 1922824). In summary, the available evidence is currently insufficient to determine the role of this variant in disease. Therefore, it has been classified as a Variant of Uncertain Significance.